The following is an entry in ClinVar:

ClinVar aggregate classification (germline): Likely benign (1 of 4 stars; one submission).

Allele frequency attached by ClinVar (database versions not stated): ExAC 0.00002; gnomAD 0.00003; TOPMed 0.00004; gnomAD exomes 0.00005.
gnomAD v4.1: 74 of 1,605,528 alleles (0.0046%); highest among the groups gnomAD compares: Non-Finnish European, 0.0061%; no homozygotes.

Submission:

CeGaT Center for Human Genetics Tuebingen
Classification: Likely benign. Last evaluated: 2023-03-01. Review status: criteria provided, single submitter. Criteria: CeGaT Center For Human Genetics Tuebingen Variant Classification Criteria Version 2. Collection method: clinical testing. Allele origin: germline. Affected: yes. Observed: 1 variant allele.
Comment: GEMIN4: BP4, BP7

NM_015721.3(GEMIN4):c.2883C>T (p.Gly961=)

Gene: GEMIN4 (gem nuclear organelle associated protein 4; minus strand). Cytogenetic location: 17p13.3.
Variant type: single nucleotide variant.
Coding change: c.2883C>T on transcript NM_015721.3 (MANE Select); coding-DNA position 2883, C replaced by T.
Protein change: p.Gly961=; no amino-acid change (glycine 961 retained).
Molecular consequence: synonymous variant.
Genome position (GRCh38, 1-based): chr17:745,160, G>A on the plus strand (C>T on the coding strand, the complement: GEMIN4 is on the minus strand). VCF-style: chr17-745160-G-A. GRCh37 (hg19) VCF-style: chr17-648400-G-A.
Identifiers: ClinVar variation 2647167 (VCV002647167.24), dbSNP rs756586327, ClinGen allele CA8262341.
Genomic context (GRCh38, chr17:745,160, plus strand): 5'-CTGGGTGTAAACAAACAGGGCTTCCTGGGTCAGGTCCTGCTCTGGTCCTTGAACCCAAGG[G>A]CCAGCTGCCTGTATCGCCCTGACTGAGTCCAGGAGGCGGGTCAGACTGCCACAGAGGAGT-3'
Protein context (NP_056536.2, residues 951-971): LDSVRAIQAA[Gly961=]PWVQGPEQDL